The following is an entry in ClinVar:

ClinVar aggregate classification (germline): Conflicting classifications of pathogenicity. Review status: criteria provided, conflicting classifications (1 of 4 stars). 2 submissions from 2 submitters: Pathogenic (1); Uncertain significance (1). Last evaluated 2026-06-24.

Conditions:
Cardiovascular phenotype. Identifiers: MedGen CN230736.
Congenital primary aphakia. Also called: ANTERIOR SEGMENT DYSGENESIS 2; Anterior segment dysgenesis 2, multiple subtypes. Identifiers: Orphanet 83461, MedGen C1853230, MONDO:0012456, OMIM 610256.
Anterior segment dysgenesis. Also called: Ocular anterior segment dysgenesis. Identifiers: Orphanet 88632, MedGen C1862839, MONDO:0019503, HP:0007700.

Allele frequency attached by ClinVar (database versions not stated): gnomAD exomes below 0.00001 and 0.00001; TOPMed 0.00002; gnomAD 0.00001.

Submissions (2):

Ambry Genetics
Classification: Uncertain significance for Cardiovascular phenotype. Last evaluated: 2026-06-24. Review status: criteria provided, single submitter. Criteria: Ambry Variant Classification Scheme 2023. Collection method: clinical testing. Allele origin: germline.
Comment: The c.343_347delTGGCA variant, located in coding exon 1 of the FOXE3 gene, results from a deletion of 5 nucleotides at nucleotide positions 343 to 347, causing a translational frameshift with a predicted alternate stop codon (p.W115Efs*168). This variant is not expected to trigger nonsense-mediated mRNA decay, and impacts the last 64% of the protein. However, premature stop codons are typically deleterious in nature and a significant portion of the protein is affected (Ambry internal data). Although biallelic loss of function of FOXE3 has been associated with autosomal recessive FOXE3-related ocular developmental disorder, haploinsufficiency of FOXE3 has not been established as a mechanism of disease for autosomal dominant FOXE3-related ocular developmental disorder or thoracic aortic aneurysm and dissection. Based on the supporting evidence, this variant is expected to be causative of autosomal recessive FOXE3-related ocular developmental disorder when present along with a second pathogenic variant on the other allele; however, its clinical significance for autosomal dominant FOXE3-related ocular developmental disorder and thoracic aortic aneurysm and dissection is unclear.

Labcorp Genetics (formerly Invitae), Labcorp
Classification: Pathogenic for Anterior segment dysgenesis; Congenital primary aphakia. Last evaluated: 2025-10-06. Review status: criteria provided, single submitter. Criteria: Invitae Variant Classification Sherloc (09022015). Collection method: clinical testing. Allele origin: germline.
Comment: This sequence change creates a premature translational stop signal (p.Trp115Glufs*168) in the FOXE3 gene. While this is not anticipated to result in nonsense mediated decay, it is expected to disrupt the last 205 amino acid(s) of the FOXE3 protein. This variant is present in population databases (no rsID available, gnomAD 0.002%). This variant has not been reported in the literature in individuals affected with FOXE3-related conditions. ClinVar contains an entry for this variant (Variation ID: 1459316). This variant disrupts a region of the FOXE3 protein in which other variant(s) (p.Cys240*) have been determined to be pathogenic (PMID: 16826526, 20140963, 24033328). This suggests that this is a clinically significant region of the protein, and that variants that disrupt it are likely to be disease-causing. For these reasons, this variant has been classified as Pathogenic.

Literature cited by the submitters: PubMed 16826526 (cited by Labcorp Genetics (formerly Invitae), Labcorp); PubMed 20140963 (cited by Labcorp Genetics (formerly Invitae), Labcorp); PubMed 24033328 (cited by Labcorp Genetics (formerly Invitae), Labcorp).

NM_012186.3(FOXE3):c.343_347del (p.Trp115fs)

Genes: FOXE3 (forkhead box E3; plus strand), LINC01389 (long independently transcribed non-coding RNA 1389; minus strand). Cytogenetic location: 1p33.
Variant type: Deletion.
Coding change: c.343_347del on transcript NM_012186.3 (MANE Select); coding-DNA positions 343 to 347, 5 bases deleted (TGGCA; older notation c.343_347delTGGCA).
Protein change: p.Trp115fs; shifts the reading frame from tryptophan 115.
Molecular consequence: frameshift variant.
Genome position (GRCh38, 1-based): chr1:47,416,658-47,416,662, TGGCA deleted. VCF-style (leftmost placement, unchanged base first): chr1-47416657-GTGGCA-G. GRCh37 (hg19) VCF-style: chr1-47882329-GTGGCA-G.
Other names: c.343_347delTGGCA (NM_012186.2); short protein forms W115fs.
Identifiers: ClinVar variation 1459316 (VCV001459316.9), dbSNP rs958241794, ClinGen allele CA22068741.